The following is an entry in ClinVar:

NM_001166108.2(PALLD):c.1965-12534C>A

Gene: PALLD (palladin, cytoskeletal associated protein; plus strand). Cytogenetic location: 4q32.3.
Variant type: single nucleotide variant.
Coding change: c.1965-12534C>A on transcript NM_001166108.2 (MANE Select); 12534 bases into the intron before coding-DNA position 1965, C replaced by A.
Molecular consequence: intron variant. On other transcripts: missense variant (1).
Genome position (GRCh38, 1-based): chr4:168,878,388, C>A. VCF-style: chr4-168878388-C-A. GRCh37 (hg19) VCF-style: chr4-169799539-C-A.
Other names: c.497C>A, p.Thr166Asn (NM_001166110.2); c.1965-12534C>A (NM_016081.4); c.819-12534C>A (NM_001166109.2); c.-157-12534C>A (NM_001367570.1, NM_001367568.1, NM_001367567.1 and 1 more transcripts); c.497C>A (NM_001166110.1); short protein forms T166N.
Identifiers: ClinVar variation 1354769 (VCV001354769.9), dbSNP rs1162490423, ClinGen allele CA358796790.

ClinVar aggregate classification (germline): Uncertain significance. Review status: criteria provided, multiple submitters, no conflicts (2 of 4 stars). 2 submissions from 2 submitters: Uncertain significance (2). Last evaluated 2025-03-31.

Conditions:
Pancreatic adenocarcinoma. Identifiers: MedGen C0281361, MONDO:0006047, HP:0006725.

Allele frequency attached by ClinVar (database versions not stated): TOPMed below 0.00001; gnomAD exomes 0.00001.
gnomAD v4.1: 11 of 1,492,286 alleles (0.00074%); highest among the groups gnomAD compares: African/African-American, 0.0014%; no homozygotes.

Submissions (2):

Labcorp Genetics (formerly Invitae), Labcorp
Classification: Uncertain significance for Pancreatic adenocarcinoma. Last evaluated: 2025-03-31. Review status: criteria provided, single submitter. Criteria: Invitae Variant Classification Sherloc (09022015). Collection method: clinical testing. Allele origin: germline.
Comment: This sequence change replaces threonine, which is neutral and polar, with asparagine, which is neutral and polar, at codon 166 of the PALLD protein (p.Thr166Asn). The frequency data for this variant in the population databases is considered unreliable, as metrics indicate poor data quality at this position in the gnomAD database. This variant has not been reported in the literature in individuals affected with PALLD-related conditions. ClinVar contains an entry for this variant (Variation ID: 1354769). An algorithm developed to predict the effect of missense changes on protein structure and function (PolyPhen-2) suggests that this variant is likely to be tolerated. In summary, the available evidence is currently insufficient to determine the role of this variant in disease. Therefore, it has been classified as a Variant of Uncertain Significance.

Ambry Genetics
Classification: Uncertain significance. Last evaluated: 2024-11-23. Review status: criteria provided, single submitter. Criteria: Ambry Variant Classification Scheme 2023. Collection method: clinical testing. Allele origin: germline.
Comment: The p.T166N variant (also known as c.497C>A), located in coding exon 1 of the PALLD gene, results from a C to A substitution at nucleotide position 497. The threonine at codon 166 is replaced by asparagine, an amino acid with similar properties. This amino acid position is conserved. In addition, this alteration is predicted to be tolerated by in silico analysis. Based on the available evidence, the clinical significance of this variant remains unclear.